The following is an entry in ClinVar:

NM_016169.4(SUFU):c.686C>T (p.Ala229Val)

Gene: SUFU (SUFU negative regulator of hedgehog signaling; plus strand). Cytogenetic location: 10q24.32.
Variant type: single nucleotide variant.
Coding change: c.686C>T on transcript NM_016169.4 (MANE Select); coding-DNA position 686, C replaced by T.
Protein change: p.Ala229Val; replaces alanine 229 with valine.
Molecular consequence: missense variant.
Genome position (GRCh38, 1-based): chr10:102,593,995, C>T. VCF-style: chr10-102593995-C-T. GRCh37 (hg19) VCF-style: chr10-104353752-C-T.
Other names: c.686C>T, p.Ala229Val (NM_001178133.2); short protein forms A229V.
Identifiers: ClinVar variation 843007 (VCV000843007.11), dbSNP rs1590063307, ClinGen allele CA377909705.

ClinVar aggregate classification (germline): Uncertain significance. Review status: criteria provided, multiple submitters, no conflicts (2 of 4 stars). 2 submissions from 2 submitters: Uncertain significance (2). Last evaluated 2026-07-06.

Conditions:
Gorlin syndrome. Also called: Basal cell nevus syndrome; Nevoid Basal Cell Carcinoma Syndrome. Identifiers: Orphanet 377, MedGen C0004779, MONDO:0007187.
Medulloblastoma (MDB). Also called: MEDULLOBLASTOMA PREDISPOSITION SYNDROME; Medulloblastoma, somatic. Identifiers: Orphanet 616, MedGen C0025149, MeSH D008527, MONDO:0007959, OMIM 155255, HP:0002885.
Hereditary cancer-predisposing syndrome. Also called: Tumor predisposition; Hereditary neoplastic syndrome; Neoplastic Syndromes, Hereditary; Hereditary Cancer Syndrome. Identifiers: Orphanet 140162, MedGen C0027672, MeSH D009386, MONDO:0015356.

Submissions (2):

Ambry Genetics
Classification: Uncertain significance for Hereditary cancer-predisposing syndrome. Last evaluated: 2026-07-06. Review status: criteria provided, single submitter. Criteria: Ambry Variant Classification Scheme 2023. Collection method: clinical testing. Allele origin: germline.
Comment: The p.A229V variant (also known as c.686C>T), located in coding exon 6 of the SUFU gene, results from a C to T substitution at nucleotide position 686. The alanine at codon 229 is replaced by valine, an amino acid with similar properties. This amino acid position is conserved. In addition, the in silico prediction for this alteration is inconclusive. Based on the available evidence, the clinical significance of this variant remains unclear.

Labcorp Genetics (formerly Invitae), Labcorp
Classification: Uncertain significance for Gorlin syndrome; Medulloblastoma. Last evaluated: 2026-01-25. Review status: criteria provided, single submitter. Criteria: Invitae Variant Classification Sherloc (09022015). Collection method: clinical testing. Allele origin: germline.
Comment: This sequence change replaces alanine, which is neutral and non-polar, with valine, which is neutral and non-polar, at codon 229 of the SUFU protein (p.Ala229Val). This variant is not present in population databases (gnomAD no frequency). This variant has not been reported in the literature in individuals affected with SUFU-related conditions. ClinVar contains an entry for this variant (Variation ID: 843007). An algorithm developed to predict the effect of missense changes on protein structure and function (PolyPhen-2) suggests that this variant is likely to be disruptive. In summary, the available evidence is currently insufficient to determine the role of this variant in disease. Therefore, it has been classified as a Variant of Uncertain Significance.